The following is an entry in ClinVar:

ClinVar aggregate classification (germline): Benign. Review status: criteria provided, single submitter (1 of 4 stars). 2 submissions from 1 submitter: Benign (2). Last evaluated 2018-01-13.

Conditions:
Neuroblastoma, susceptibility to, 2. Identifiers: Orphanet 635, MedGen C2751682, MONDO:0700041, OMIM 613013.
Congenital central hypoventilation. Also called: Congenital Central Hypoventilation Syndrome. Identifiers: Orphanet 661, Orphanet 99803, MedGen C1275808, MONDO:0800031. Disease mechanism: gain of function.

Allele frequency attached by ClinVar (database versions not stated): gnomAD 0.00341; TOPMed 0.00445; gnomAD exomes 0.00484; 1000 Genomes Project 30x 0.00874; 1000 Genomes Project 0.00899.
gnomAD v4.1: 676 of 233,534 alleles (0.29%); highest among the groups gnomAD compares: East Asian, 3.9%; 15 homozygotes.

Submissions (2):

Illumina Laboratory Services, Illumina
Classification: Benign for Neuroblastoma, susceptibility to, 2. Last evaluated: 2018-01-13. Review status: criteria provided, single submitter. Criteria: ICSL Variant Classification Criteria 13 December 2019. Collection method: clinical testing. Allele origin: germline.
Comment: This variant was observed in the ICSL laboratory as part of a predisposition screen in an ostensibly healthy population. It had not been previously curated by ICSL or reported in the Human Gene Mutation Database (HGMD: prior to June 1st, 2018), and was therefore a candidate for classification through an automated scoring system. Utilizing variant allele frequency, disease prevalence and penetrance estimates, and inheritance mode, an automated score was calculated to assess if this variant is too frequent to cause the disease. Based on the score and internal cut-off values, a variant classified as benign is not then subjected to further curation. The score for this variant resulted in a classification of benign for this disease.

Illumina Laboratory Services, Illumina
Classification: Benign for Central hypoventilation syndrome, congenital, 1, with or without Hirschsprung disease. Last evaluated: 2018-01-13. Review status: criteria provided, single submitter. Criteria: ICSL Variant Classification Criteria 13 December 2019. Collection method: clinical testing. Allele origin: germline.
Comment: the same text as in the submission from Illumina Laboratory Services, Illumina above.

NM_003924.4(PHOX2B):c.*1126C>G

Gene: PHOX2B (paired like homeobox 2B; minus strand). Cytogenetic location: 4p13.
Variant type: single nucleotide variant.
Coding change: c.*1126C>G on transcript NM_003924.4 (MANE Select); 1126 bases downstream of the stop codon, C replaced by G.
Molecular consequence: 3 prime UTR variant.
Genome position (GRCh38, 1-based): chr4:41,744,681, G>C on the plus strand (C>G on the coding strand, the complement: PHOX2B is on the minus strand). VCF-style: chr4-41744681-G-C. GRCh37 (hg19) VCF-style: chr4-41746698-G-C.
Identifiers: ClinVar variation 348792 (VCV000348792.5), dbSNP rs118046131, ClinGen allele CA10618743.
Genomic context (GRCh38, chr4:41,744,681, plus strand): 5'-AGTCCATCCACCATACAGGATGTGAGTCCAGTTCGGATCATTCCAACAGAAATGCAAACC[G>C]AGACACCCCTGCAAACGTGTGTGTGTGCCTTTTCCTTGCTCGGTAGATTTCTCTGCAGCC-3'